The following is an entry in ClinVar:

NM_001182.5(ALDH7A1):c.1093+1G>A

Gene: ALDH7A1 (aldehyde dehydrogenase 7 family member A1; minus strand). Cytogenetic location: 5q23.2.
Variant type: single nucleotide variant.
Coding change: c.1093+1G>A on transcript NM_001182.5 (MANE Select); the canonical splice donor site of the intron after coding-DNA position 1093, G replaced by A.
Molecular consequence: splice donor variant. On other transcripts: intron variant (1).
Genome position (GRCh38, 1-based): chr5:126,555,930, C>T on the plus strand (G>A on the coding strand, the complement: ALDH7A1 is on the minus strand). VCF-style: chr5-126555930-C-T. GRCh37 (hg19) VCF-style: chr5-125891622-C-T.
Other names: c.1008+3310G>A (NM_001202404.2); c.1009+1G>A (NM_001201377.2).
Identifiers: ClinVar variation 194033 (VCV000194033.10), dbSNP rs794727058, ClinGen allele CA274970.
Genomic context (GRCh38, chr5:126,555,930, plus strand): 5'-AACACTTGTTAACAACAGCTCTCAAAAAGGGATCGCTTTGAAAGCAGAAGGAGATACTCA[C>T]GGTCCCATGGGTTCCCAACTCGGATCTGTGCATAGGCCTTTTTAAGTCTGTTTACAACCT-3'

ClinVar aggregate classification (germline): Pathogenic. Review status: criteria provided, multiple submitters, no conflicts (2 of 4 stars). 3 submissions from 3 submitters: Pathogenic (3). Last evaluated 2025-09-10.

Conditions:
Pyridoxine-dependent epilepsy (EPEO4). Also called: Pyridoxine-Dependent Seizures; Pyridoxine-Dependent Epilepsy - ALDH7A1; EPILEPSY, EARLY-ONSET, 4, VITAMIN B6-DEPENDENT; PYRIDOXINE DEPENDENCY WITH SEIZURES. Identifiers: Orphanet 3006, MedGen C1849508, MONDO:0009945, OMIM 266100. Disease mechanism: loss of function.

Allele frequency attached by ClinVar (database versions not stated): TOPMed 0.00001; gnomAD exomes below 0.00001.

Submissions (5):

Genomic Medicine Center of Excellence, King Faisal Specialist Hospital and Research Centre
Classification: Pathogenic for Pyridoxine-dependent epilepsy. Last evaluated: 2025-09-10. Review status: criteria provided, single submitter. Criteria: ACMG Guidelines, 2015. Collection method: clinical testing. Allele origin: germline.

Labcorp Genetics (formerly Invitae), Labcorp
Classification: Pathogenic for Pyridoxine-dependent epilepsy. Last evaluated: 2025-07-27. Review status: criteria provided, single submitter. Criteria: Invitae Variant Classification Sherloc (09022015). Collection method: clinical testing. Allele origin: germline.
Comment: This sequence change affects a donor splice site in intron 12 of the ALDH7A1 gene. It is expected to disrupt RNA splicing. Variants that disrupt the donor or acceptor splice site typically lead to a loss of protein function (PMID: 16199547), and loss-of-function variants in ALDH7A1 are known to be pathogenic (PMID: 16491085, 20554659). This variant is not present in population databases (gnomAD no frequency). Disruption of this splice site has been observed in individual(s) with pyridoxine-dependent epilepsy (PMID: 20814824, 34495967). ClinVar contains an entry for this variant (Variation ID: 194033). Algorithms developed to predict the effect of sequence changes on RNA splicing suggest that this variant may disrupt the consensus splice site. For these reasons, this variant has been classified as Pathogenic.

Eurofins Ntd Llc (ga)
Classification: Pathogenic. Last evaluated: 2015-02-23. Review status: criteria provided, single submitter. Criteria: EGL Classification Definitions 2015. Collection method: clinical testing. Allele origin: germline. Observed: 1 variant allele, 1 heterozygote.

Dr. Peter K. Rogan Lab, Western University
No classification provided (evidence only). Condition: Clear cell carcinoma of kidney. Review status: no classification provided. Collection method: in vitro. Allele origin: not applicable. Functional consequence: skipped exon, retained intron. Not counted in ClinVar's aggregate classification.

Dr. Peter K. Rogan Lab, Western University
No classification provided (evidence only). Condition: Ovarian serous cystadenocarcinoma. Review status: no classification provided. Collection method: in vitro. Allele origin: not applicable. Functional consequence: retained intron. Not counted in ClinVar's aggregate classification.

Literature cited by the submitters: PubMed 16199547 (cited by Labcorp Genetics (formerly Invitae), Labcorp); PubMed 16491085 (cited by Labcorp Genetics (formerly Invitae), Labcorp); PubMed 20554659 (cited by Labcorp Genetics (formerly Invitae), Labcorp); PubMed 20814824 (cited by Labcorp Genetics (formerly Invitae), Labcorp); PubMed 34495967 (cited by Labcorp Genetics (formerly Invitae), Labcorp).